The following is an entry in ClinVar:

NM_000540.3(RYR1):c.2986del (p.Ala996fs)

Gene: RYR1 (ryanodine receptor 1; plus strand). Cytogenetic location: 19q13.2.
Variant type: Deletion.
Coding change: c.2986del on transcript NM_000540.3 (MANE Select); coding-DNA position 2986, one base deleted (G; older notation c.2986delG).
Protein change: p.Ala996fs; shifts the reading frame from alanine 996.
Molecular consequence: frameshift variant.
Genome position (GRCh38, 1-based): chr19:38,466,206, G deleted; the last of 3 consecutive G bases (chr19:38,466,204-38,466,206); deleting any one gives the same sequence. VCF-style (leftmost placement, unchanged base first): chr19-38466203-TG-T. GRCh37 (hg19) VCF-style: chr19-38956843-TG-T.
Other names: c.2986del, p.Ala996fs (NM_001042723.2); short protein forms A996fs.
Identifiers: ClinVar variation 947744 (VCV000947744.7), dbSNP rs1968093571, ClinGen allele CA1139666434.

ClinVar aggregate classification (germline): Pathogenic (1 of 4 stars; one submission).

Conditions:
RYR1-related disorder. Also called: RYR1-related disorders; RYR1-related condition. Identifiers: MedGen CN239331.

Submission:

Labcorp Genetics (formerly Invitae), Labcorp
Classification: Pathogenic for RYR1-related disorder. Last evaluated: 2019-08-19. Review status: criteria provided, single submitter. Criteria: Invitae Variant Classification Sherloc (09022015). Collection method: clinical testing. Allele origin: germline.
Comment: This sequence change creates a premature translational stop signal (p.Ala996Profs*113) in the RYR1 gene. It is expected to result in an absent or disrupted protein product. This variant is not present in population databases (ExAC no frequency). This variant has not been reported in the literature in individuals with RYR1-related conditions. Loss-of-function variants in RYR1 are known to be pathogenic (PMID: 20583297, 20839240, 23919265, 28818389). For these reasons, this variant has been classified as Pathogenic.

Literature cited by the submitters: PubMed 20583297; PubMed 20839240; PubMed 23919265; PubMed 28818389.